The following is an entry in ClinVar:

NM_002292.4(LAMB2):c.1802G>A (p.Arg601Gln)

Gene: LAMB2 (laminin subunit beta 2; minus strand). Cytogenetic location: 3p21.31.
Variant type: single nucleotide variant.
Coding change: c.1802G>A on transcript NM_002292.4 (MANE Select); coding-DNA position 1802, G replaced by A.
Protein change: p.Arg601Gln; replaces arginine 601 with glutamine.
Molecular consequence: missense variant.
Genome position (GRCh38, 1-based): chr3:49,128,749, C>T on the plus strand (G>A on the coding strand, the complement: LAMB2 is on the minus strand). VCF-style: chr3-49128749-C-T. GRCh37 (hg19) VCF-style: chr3-49166182-C-T.
Other names: p.Arg601Gln; c.1802G>A (NM_002292.3); short protein forms R601Q.
Identifiers: ClinVar variation 1425731 (VCV001425731.8), dbSNP rs760060166, ClinGen allele CA2394489.

ClinVar aggregate classification (germline): Uncertain significance. Review status: criteria provided, multiple submitters, no conflicts (2 of 4 stars). 4 submissions from 4 submitters: Uncertain significance (3). 1 of the submissions does not count toward it. Last evaluated 2025-09-21.

Conditions:
LAMB2-related disorder. Also called: LAMB2-related condition.
Inborn genetic diseases. Identifiers: MedGen C0950123, MeSH D030342.
Pierson syndrome. Also called: MICROCORIA-CONGENITAL NEPHROTIC SYNDROME. Identifiers: Orphanet 2670, MedGen C1836876, MONDO:0012184, OMIM 609049.
LAMB2-related infantile-onset nephrotic syndrome. Also called: Nephrotic Syndrome, type 5; NEPHROTIC SYNDROME, TYPE 5, WITHOUT OCULAR ABNORMALITIES; NEPHROTIC SYNDROME, TYPE 5, WITH OCULAR ABNORMALITIES. Identifiers: Orphanet 306507, MedGen C3280113, MONDO:0013621, OMIM 614199.

Allele frequency attached by ClinVar (database versions not stated): gnomAD 0.00001; TOPMed 0.00002.
gnomAD v4.1: 27 of 1,614,006 alleles (0.0017%); highest among the groups gnomAD compares: Admixed American, 0.027%; no homozygotes.

Submissions (4):

Ambry Genetics
Classification: Uncertain significance for Inborn genetic diseases. Last evaluated: 2025-09-21. Review status: criteria provided, single submitter. Criteria: Ambry Variant Classification Scheme 2023. Collection method: clinical testing. Allele origin: germline.

Mayo Clinic Laboratories, Mayo Clinic
Classification: Uncertain significance. Last evaluated: 2024-04-30. Review status: criteria provided, single submitter. Criteria: ACMG Guidelines, 2015. Collection method: clinical testing. Allele origin: germline. Observed: 1 variant allele.
Comment: BP4

Labcorp Genetics (formerly Invitae), Labcorp
Classification: Uncertain significance for LAMB2-related infantile-onset nephrotic syndrome; Pierson syndrome. Last evaluated: 2021-11-20. Review status: criteria provided, single submitter. Criteria: Invitae Variant Classification Sherloc (09022015). Collection method: clinical testing. Allele origin: germline.
Comment: This sequence change replaces arginine, which is basic and polar, with glutamine, which is neutral and polar, at codon 601 of the LAMB2 protein (p.Arg601Gln). This variant is present in population databases (rs760060166, gnomAD 0.03%). This variant has not been reported in the literature in individuals affected with LAMB2-related conditions. Algorithms developed to predict the effect of missense changes on protein structure and function output the following: SIFT: "Tolerated"; PolyPhen-2: "Benign"; Align-GVGD: "Class C0". The glutamine amino acid residue is found in multiple mammalian species, which suggests that this missense change does not adversely affect protein function. Algorithms developed to predict the effect of sequence changes on RNA splicing suggest that this variant may create or strengthen a splice site. In summary, the available evidence is currently insufficient to determine the role of this variant in disease. Therefore, it has been classified as a Variant of Uncertain Significance.

PreventionGenetics, part of Exact Sciences
Classification: Uncertain significance for LAMB2-related condition. Last evaluated: 2024-01-25. Review status: no assertion criteria provided. Collection method: clinical testing. Allele origin: germline. Not counted in ClinVar's aggregate classification.
Comment: The LAMB2 c.1802G>A variant is predicted to result in the amino acid substitution p.Arg601Gln. To our knowledge, this variant has not been reported in the literature. This variant is reported in 0.032% of alleles in individuals of Latino descent in gnomAD. At this time, the clinical significance of this variant is uncertain due to the absence of conclusive functional and genetic evidence.